The following is an entry in ClinVar:

ClinVar aggregate classification (germline): Likely benign (1 of 4 stars; one submission).

Allele frequency attached by ClinVar (database versions not stated): gnomAD exomes 0.00259; gnomAD 0.00776.

Submission:

GeneDx
Classification: Likely benign. Last evaluated: 2019-12-24. Review status: criteria provided, single submitter. Criteria: GeneDx Variant Classification Process June 2021. Collection method: clinical testing. Allele origin: germline. Affected: yes.
Comment: See Variant Classification Assertion Criteria.

NM_032801.5(JAM3):c.897+137_897+138del

Gene: JAM3 (junctional adhesion molecule 3; plus strand). Cytogenetic location: 11q25.
Variant type: Deletion.
Coding change: c.897+137_897+138del on transcript NM_032801.5 (MANE Select); bases 137 to 138 of the intron after coding-DNA position 897, 2 bases deleted (AA; older notation c.897+137_897+138delAA).
Molecular consequence: intron variant.
Genome position (GRCh38, 1-based): chr11:134,148,955-134,148,956, AA deleted. VCF-style (leftmost placement, unchanged base first): chr11-134148954-TAA-T. GRCh37 (hg19) VCF-style: chr11-134018849-TAA-T.
Other names: c.744+137_744+138del (NM_001205329.2).
Identifiers: ClinVar variation 1707339 (VCV001707339.2), dbSNP rs1491438217, ClinGen allele CA602669144.